The following is an entry in ClinVar:

NM_020428.4(SLC44A2):c.1149-3C>T

Gene: SLC44A2 (solute carrier family 44 member 2 (CTL2 blood group); plus strand). Cytogenetic location: 19p13.2.
Variant type: single nucleotide variant.
Coding change: c.1149-3C>T on transcript NM_020428.4 (MANE Select); 3 bases into the intron before coding-DNA position 1149, C replaced by T.
Molecular consequence: intron variant.
Genome position (GRCh38, 1-based): chr19:10,635,428, C>T. VCF-style: chr19-10635428-C-T. GRCh37 (hg19) VCF-style: chr19-10746104-C-T.
Other names: c.1143-3C>T (NM_001145056.2); c.1149-3C>T (NM_001363611.2).
Identifiers: ClinVar variation 3239538 (VCV003239538.19), dbSNP rs1012351008.
Genomic context (GRCh38, chr19:10,635,428, plus strand): 5'-CTTTCCCACAAAAGTCCCTGGGGTCCTCAGTCCTAGACCTCTGCTTCCTTAACGAACCTC[C>T]AGCTTCCTGTCCACTTCCAACGAAGCGGTCTATAAGATCTTTGATGACAGCCCCTGCCCA-3'

ClinVar aggregate classification (germline): Uncertain significance (1 of 4 stars; one submission).

Allele frequency attached by ClinVar (database versions not stated): gnomAD exomes 0.00001.
gnomAD v4.1: 3 of 1,614,124 alleles (0.00019%); highest among the groups gnomAD compares: South Asian, 0.0022%; no homozygotes.

Submission:

CeGaT Center for Human Genetics Tuebingen
Classification: Uncertain significance. Last evaluated: 2024-05-01. Review status: criteria provided, single submitter. Criteria: CeGaT Center For Human Genetics Tuebingen Variant Classification Criteria Version 2. Collection method: clinical testing. Allele origin: germline. Affected: yes. Observed: 1 variant allele.
Comment: SLC44A2: PM2, BP4